The following is an entry in ClinVar:

ClinVar aggregate classification (germline): Likely pathogenic. Review status: criteria provided, multiple submitters, no conflicts (2 of 4 stars). 4 submissions from 4 submitters: Likely pathogenic (3). 1 of the submissions does not count toward it. Last evaluated 2022-01-27.

Conditions:
Developmental and epileptic encephalopathy, 33 (DEE33). Also called: Epileptic encephalopathy, early infantile, 33. Identifiers: Orphanet 442835, MedGen C4225337, MONDO:0014625, OMIM 616409.

Allele frequency attached by ClinVar (database versions not stated): gnomAD exomes below 0.00001.
gnomAD v4.1: 1 of 1,479,688 alleles (0.000068%); no homozygotes.

Submissions (4):

MGZ Medical Genetics Center
Classification: Likely pathogenic for Developmental and epileptic encephalopathy, 33. Last evaluated: 2022-01-27. Review status: criteria provided, single submitter. Criteria: ACMG Guidelines, 2015. Collection method: clinical testing. Allele origin: germline. Affected: yes. Observed: 1 variant allele.
Comment: ACMG criteria applied: PS2, PS4_SUP, PM2_SUP, PP2, PP3

Greenwood Genetic Center Diagnostic Laboratories, Greenwood Genetic Center
Classification: Likely pathogenic. Last evaluated: 2020-07-09. Review status: criteria provided, single submitter. Criteria: ACMG Guidelines, 2015. Collection method: clinical testing. Allele origin: germline. Affected: yes.
Comment: PP2, PM2, PM6, PS4_Supporting

GeneDx
Classification: Likely pathogenic. Last evaluated: 2016-08-24. Review status: criteria provided, single submitter. Criteria: GeneDx Variant Classification (06012015). Collection method: clinical testing. Allele origin: germline. Affected: yes.
Comment: The V437F variant in the EEF1A2 gene has not been reported previously as a pathogenic variant, nor as a benign variant, to our knowledge. The V437F variant was not observed in approximately 5,900 individuals of European and African American ancestry in the NHLBI Exome Sequencing Project, indicating it is not a common benign variant in these populations. The V437F variant is a semi-conservative amino acid substitution, which may impact secondary protein structure as these residues differ in some properties. In addition, this substitution occurs at a position that is conserved across species. However, in silico analysis is inconsistent in its predictions as to whether or not the variant is damaging to the protein structure/function. Therefore, we interpret V437F as a likely pathogenic variant.

Department of Genetics, Robert DEBRE University Hospital
Classification: Pathogenic. Last evaluated: 2019-01-29. Review status: no assertion criteria provided. Collection method: clinical testing. Allele origin: de novo. Affected: yes. Not counted in ClinVar's aggregate classification.

NM_001958.5(EEF1A2):c.1309G>T (p.Val437Phe)

Gene: EEF1A2 (eukaryotic translation elongation factor 1 alpha 2; minus strand). Cytogenetic location: 20q13.33.
Variant type: single nucleotide variant.
Coding change: c.1309G>T on transcript NM_001958.5 (MANE Select); coding-DNA position 1309, G replaced by T.
Protein change: p.Val437Phe; replaces valine 437 with phenylalanine.
Molecular consequence: missense variant.
Genome position (GRCh38, 1-based): chr20:63,488,381, C>A on the plus strand (G>T on the coding strand, the complement: EEF1A2 is on the minus strand). VCF-style: chr20-63488381-C-A. GRCh37 (hg19) VCF-style: chr20-62119734-C-A.
Other names: short protein forms V437F.
Identifiers: ClinVar variation 383531 (VCV000383531.8), dbSNP rs1057521655, ClinGen allele CA16608439.
Genomic context (GRCh38, chr20:63,488,381, plus strand): 5'-TCTGCGCCGACTTGGTGACCTTGCCGGCGCCGCCGCTCTTCTTCTCCACGTTCTTGATGA[C>A]GCCTACGGCCACCGTCTGCCTCATGTCGCGCACGGCGAAGCGGCCTGGGGGGCGGGGGGC-3'
Protein context (NP_001949.1, residues 427-447): RDMRQTVAVG[Val437Phe]IKNVEKKSGG